The following is an entry in ClinVar:

ClinVar aggregate classification (germline): Pathogenic/Likely pathogenic. Review status: criteria provided, multiple submitters, no conflicts (2 of 4 stars). 2 submissions from 2 submitters: Pathogenic (1); Likely pathogenic (1). Last evaluated 2025-05-29.

Conditions:
Hereditary cancer-predisposing syndrome. Also called: Neoplastic Syndromes, Hereditary; Hereditary Cancer Syndrome; Tumor predisposition; Hereditary neoplastic syndrome. Identifiers: Orphanet 140162, MedGen C0027672, MeSH D009386, MONDO:0015356.

Submissions (2):

Ambry Genetics
Classification: Likely pathogenic for Hereditary cancer-predisposing syndrome. Last evaluated: 2025-05-29. Review status: criteria provided, single submitter. Criteria: Ambry Variant Classification Scheme 2023. Collection method: clinical testing. Allele origin: germline.
Comment: The c.4001+2T>A intronic variant results from a T to A substitution two nucleotides after coding exon 9 in the MSH6 gene. This variant has been identified in a proband(s) whose Lynch syndrome-associated tumor demonstrated loss of MSH6 expression by immunohistochemistry (Ambry internal data). This alteration occurs at the 3' terminus of the MSH6 gene, is not expected to trigger nonsense-mediated mRNA decay, and only impacts the last 93 AA of the protein. The exact functional effect of this alteration is unknown; however, the impacted region is critical for protein function (Ambry internal data). This variant is considered to be rare based on population cohorts in the Genome Aggregation Database (gnomAD). This nucleotide position is highly conserved on limited sequence alignment. In silico splice site analysis predicts that this alteration will weaken the native splice donor site. RNA studies have demonstrated that this alteration results in abnormal splicing in the set of samples tested (Ambry internal data). Based on the majority of available evidence to date, this variant is likely to be pathogenic.

ARUP Laboratories, Molecular Genetics and Genomics, ARUP Laboratories
Classification: Pathogenic. Last evaluated: 2019-12-12. Review status: criteria provided, single submitter. Criteria: ARUP Molecular Germline Variant Investigation Process. Collection method: clinical testing. Allele origin: germline.
Comment: The MSH6 c.4001+2T>A variant, to our knowledge, is not reported in the medical literature or gene-specific databases. However, another variant in the same nucleotide, c.4001+2T>C, is reported in the literature in several individuals and families with Lynch syndrome (Klarskov 2011, Lagerstedt-Robinson 2016, Nilbert 2009). The c.4001+2T>A variant is absent from general population databases (Exome Variant Server, Genome Aggregation Database), indicating it is not a common polymorphism. This variant disrupts the canonical splice donor site of intron 9, which is likely to negatively impact gene function. Considering available information, this variant is classified as pathogenic. References: Klarskov L et al. Challenges in the identification of MSH6-associated colorectal cancer: rectal location, less typical histology, and a subset with retained mismatch repair function. Am J Surg Pathol. 2011 Sep;35(9):1391-9. Lagerstedt-Robinson K et al. Mismatch repair gene mutation spectrum in the Swedish Lynch syndrome population. Oncol Rep. 2016 Nov;36(5):2823-2835. Nilbert M et al. Major contribution from recurrent alterations and MSH6 mutations in the Danish Lynch syndrome population. Fam Cancer. 2009;8(1):75-83.

NM_000179.3(MSH6):c.4001+2T>A

Gene: MSH6 (mutS homolog 6; plus strand). Cytogenetic location: 2p16.3.
Variant type: single nucleotide variant.
Coding change: c.4001+2T>A on transcript NM_000179.3 (MANE Select); the canonical splice donor site of the intron after coding-DNA position 4001, T replaced by A.
Molecular consequence: splice donor variant. On other transcripts: intron variant (1).
Genome position (GRCh38, 1-based): chr2:47,806,653, T>A. VCF-style: chr2-47806653-T-A. GRCh37 (hg19) VCF-style: chr2-48033792-T-A.
Other names: c.4001+2T>A (NM_001406809.1, NM_001406796.1, NM_001406808.1); c.3095+2T>A (NM_001406811.1, NM_001406814.1, NM_001281493.2 and 6 more transcripts); c.3704+2T>A (NM_001406805.1, NM_001406797.1, NM_001406801.1 and 10 more transcripts); c.4097+2T>A (NM_001406795.1); c.3898-126T>A (NM_001406802.1); c.4007+2T>A (NM_001406813.1); c.3476+2T>A (NM_001406807.1, NM_001406799.1, NM_001406806.1); c.*22+2T>A (NM_001406800.1); and 9 more.
Identifiers: ClinVar variation 993857 (VCV000993857.10), dbSNP rs267608131, ClinGen allele CA346761614.